The following is an entry in ClinVar:

NM_000256.3(MYBPC3):c.3715G>A (p.Glu1239Lys)

Gene: MYBPC3 (myosin binding protein C3; minus strand). Cytogenetic location: 11p11.2.
Variant type: single nucleotide variant.
Coding change: c.3715G>A on transcript NM_000256.3 (MANE Select); coding-DNA position 3715, G replaced by A.
Protein change: p.Glu1239Lys; replaces glutamic acid 1239 with lysine.
Molecular consequence: missense variant.
Genome position (GRCh38, 1-based): chr11:47,332,171, C>T on the plus strand (G>A on the coding strand, the complement: MYBPC3 is on the minus strand). VCF-style: chr11-47332171-C-T. GRCh37 (hg19) VCF-style: chr11-47353722-C-T.
Other names: short protein forms E1239K.
Identifiers: ClinVar variation 78394 (VCV000078394.5), dbSNP rs267602904, ClinGen allele CA079515.
Genomic context (GRCh38, chr11:47,332,171, plus strand): 5'-GTAAGTTGGTGGCCCTGCAGACATAGATGCCCCCGTCAAAGGGGCAGGGCTTTCTAATCT[C>T]CAGAGTCAACACTCCCTGCTTGCTGAACATGCGGAAGCGGGCGTCTTCTCCCAGGTCCAG-3'
Protein context (NP_000247.2, residues 1229-1249): MFSKQGVLTL[Glu1239Lys]IRKPCPFDGG

ClinVar aggregate classification (germline): Uncertain significance. Review status: criteria provided, multiple submitters, no conflicts (2 of 4 stars). 3 submissions from 3 submitters: Uncertain significance (3). Last evaluated 2026-03-23.

Conditions:
Hypertrophic cardiomyopathy. Also called: HYPERTROPHIC MYOCARDIOPATHY. Identifiers: Orphanet 217569, MedGen C0007194, MeSH D002312, MONDO:0005045, HP:0001639.

Allele frequency attached by ClinVar (database versions not stated): gnomAD exomes below 0.00001 and 0.00001; ExAC 0.00002.

Submissions (3):

Women's Health and Genetics/Laboratory Corporation of America, LabCorp
Classification: Uncertain significance. Last evaluated: 2026-03-23. Review status: criteria provided, single submitter. Criteria: LabCorp Variant Classification Summary - May 2015. Collection method: clinical testing. Allele origin: germline.
Comment: Variant summary: MYBPC3 c.3715G>A (p.Glu1239Lys) results in a conservative amino acid change in the encoded protein sequence. Algorithms developed to predict the effect of missense changes on protein structure and function are either unavailable or do not agree on the potential impact of this missense change. The variant allele was found at a frequency of 8e-06 in 249230 control chromosomes. The available data on variant occurrences in the general population are insufficient to allow any conclusion about variant significance. To our knowledge, no occurrence of c.3715G>A in individuals affected with MYBPC3-related conditions and no experimental evidence demonstrating its impact on protein function have been reported. ClinVar contains an entry for this variant (Variation ID: 78394). Based on the evidence outlined above, the variant was classified as uncertain significance.

Labcorp Genetics (formerly Invitae), Labcorp
Classification: Uncertain significance for Hypertrophic cardiomyopathy. Last evaluated: 2026-01-13. Review status: criteria provided, single submitter. Criteria: Invitae Variant Classification Sherloc (09022015). Collection method: clinical testing. Allele origin: germline.
Comment: This sequence change replaces glutamic acid, which is acidic and polar, with lysine, which is basic and polar, at codon 1239 of the MYBPC3 protein (p.Glu1239Lys). This variant is present in population databases (rs267602904, gnomAD 0.002%). This variant has not been reported in the literature in individuals affected with MYBPC3-related conditions. ClinVar contains an entry for this variant (Variation ID: 78394). An algorithm developed to predict the effect of missense changes on protein structure and function (PolyPhen-2) suggests that this variant is likely to be disruptive. In summary, the available evidence is currently insufficient to determine the role of this variant in disease. Therefore, it has been classified as a Variant of Uncertain Significance.

All of Us Research Program, National Institutes of Health
Classification: Uncertain significance for Hypertrophic cardiomyopathy. Last evaluated: 2023-12-13. Review status: criteria provided, single submitter. Criteria: ACMG Guidelines, 2015. Collection method: clinical testing. Allele origin: germline. Inheritance: Autosomal dominant inheritance. Observed: 1 variant allele, 1 heterozygote.
Comment: This missense variant replaces glutamic acid with lysine at codon 1239 of the MYBPC3 protein. Computational prediction suggests that this variant may not impact protein structure and function (internally defined REVEL score threshold <= 0.5, PMID: 27666373). To our knowledge, functional studies have not been reported for this variant. This variant was reported in one stillbirth without chromosomal abnormalities (PMID: 30615648). This variant has been identified in 2/249230 chromosomes in the general population by the Genome Aggregation Database (gnomAD). The available evidence is insufficient to determine the role of this variant in disease conclusively. Therefore, this variant is classified as a Variant of Uncertain Significance.

This study involves interpretation of variants in research participants for the purpose of population health screening. Participant phenotype was not available at the time of variant classification. Additional details can be found in publication PMID: 35346344, PMCID: PMC8962531

Literature cited by the submitters: PubMed 30615648 (cited by Women's Health and Genetics/Laboratory Corporation of America, LabCorp and All of Us Research Program, National Institutes of Health).